The following is an entry in ClinVar:

NM_201384.3(PLEC):c.13149C>T (p.Ala4383=)

Gene: PLEC (plectin; minus strand). Cytogenetic location: 8q24.3.
Variant type: single nucleotide variant.
Coding change: c.13149C>T on transcript NM_201384.3 (MANE Select); coding-DNA position 13149, C replaced by T.
Protein change: p.Ala4383=; no amino-acid change (alanine 4383 retained).
Molecular consequence: synonymous variant.
Genome position (GRCh38, 1-based): chr8:143,916,672, G>A on the plus strand (C>T on the coding strand, the complement: PLEC is on the minus strand). VCF-style: chr8-143916672-G-A. GRCh37 (hg19) VCF-style: chr8-144990840-G-A.
Other names: c.13230C>T, p.Ala4410= (NM_000445.5); c.13107C>T, p.Ala4369= (NM_201378.4); c.13083C>T, p.Ala4361= (NM_201379.3); c.13560C>T, p.Ala4520= (NM_201380.4); c.13053C>T, p.Ala4351= (NM_201381.3); c.13149C>T, p.Ala4383= (NM_201382.4); c.13161C>T, p.Ala4387= (NM_201383.3).
Identifiers: ClinVar variation 706248 (VCV000706248.53), dbSNP rs199719299, ClinGen allele CA4923899.

ClinVar aggregate classification (germline): Conflicting classifications of pathogenicity. Review status: criteria provided, conflicting classifications (1 of 4 stars). 4 submissions from 4 submitters: Uncertain significance (1); Benign (2); Likely benign (1). Last evaluated 2025-10-11.

Conditions:
PLEC-related disorder. Also called: PLEC-related disorders; PLEC-related condition.
Epidermolysis bullosa simplex, Ogna type (EBS5A). Also called: Pidermolysis bullosa simplex 5A, Ogna type; EPIDERMOLYSIS BULLOSA SIMPLEX 5A, OGNA TYPE. Identifiers: Orphanet 79401, MedGen C0432317, MONDO:0007555, OMIM 131950.
Epidermolysis bullosa simplex 5C, with pyloric atresia (EBS5C). Also called: PLEC-Related Epidermolysis Bullosa with Pyloric Atresia; Epidermolysis bullosa simplex with pyloric atresia; PLEC1-Related Epidermolysis Bullosa with Pyloric Atresia. Identifiers: Orphanet 158684, MedGen C2677349, MONDO:0012807, OMIM 612138.
Epidermolysis bullosa simplex 5B, with muscular dystrophy (EBS5B). Also called: EPIDERMOLYSIS BULLOSA SIMPLEX AND LIMB-GIRDLE MUSCULAR DYSTROPHY; Epidermolysis bullosa simplex with muscular dystrophy. Identifiers: Orphanet 257, MedGen C2931072, MONDO:0009181, OMIM 226670.
Epidermolysis bullosa simplex with nail dystrophy (EBS5D). Identifiers: MedGen C4225309, MONDO:0014661, OMIM 616487.
Autosomal recessive limb-girdle muscular dystrophy type 2Q (LGMDR17). Also called: MUSCULAR DYSTROPHY, LIMB-GIRDLE, AUTOSOMAL RECESSIVE 17. Identifiers: Orphanet 254361, MedGen C3150989, MONDO:0013390, OMIM 613723.

Allele frequency attached by ClinVar (database versions not stated): gnomAD 0.00057 and 0.00055; gnomAD exomes 0.00081 and 0.00028; TOPMed 0.00005; 1000 Genomes Project 30x 0.00031; 1000 Genomes Project 0.00040; ExAC 0.00055.
gnomAD v4.1: 489 of 1,611,524 alleles (0.03%); highest among the groups gnomAD compares: South Asian, 0.011%; 4 homozygotes.

Submissions (4):

Labcorp Genetics (formerly Invitae), Labcorp
Classification: Benign for Autosomal recessive limb-girdle muscular dystrophy type 2Q; Epidermolysis bullosa simplex, Ogna type; Epidermolysis bullosa simplex with nail dystrophy; Epidermolysis bullosa simplex 5C, with pyloric atresia; Epidermolysis bullosa simplex 5B, with muscular dystrophy. Last evaluated: 2025-10-11. Review status: criteria provided, single submitter. Criteria: Invitae Variant Classification Sherloc (09022015). Collection method: clinical testing. Allele origin: germline.

PreventionGenetics, part of Exact Sciences
Classification: Benign for PLEC-related condition. Last evaluated: 2024-12-18. Review status: criteria provided, single submitter. Criteria: ACMG Guidelines, 2015. Collection method: clinical testing. Allele origin: germline.
Comment: This variant is classified as benign based on ACMG/AMP sequence variant interpretation guidelines (Richards et al. 2015 PMID: 25741868, with internal and published modifications).

Blueprint Genetics
Classification: Likely benign. Last evaluated: 2024-08-16. Review status: criteria provided, single submitter. Criteria: ACMG Guidelines, 2015. Collection method: clinical testing. Allele origin: germline.

CeGaT Center for Human Genetics Tuebingen
Classification: Uncertain significance. Last evaluated: 2017-01-01. Review status: criteria provided, single submitter. Criteria: CeGaT Center For Human Genetics Tuebingen Variant Classification Criteria Version 2. Collection method: clinical testing. Allele origin: germline. Affected: yes. Observed: 1 variant allele.